The following is an entry in ClinVar:

ClinVar aggregate classification (germline): not provided (0 of 4 stars; one submission).

Allele frequency attached by ClinVar (database versions not stated): TOPMed 0.00009; 1000 Genomes Project 0.00040; 1000 Genomes Project 30x 0.00047.
gnomAD v4.1: 24 of 1,510,830 alleles (0.0016%); highest among the groups gnomAD compares: African/African-American, 0.019%; no homozygotes.

Submission:

Human Evolutionary Genetics, Institut Pasteur
No classification provided. Review status: no classification provided. Collection method: not provided. Allele origin: germline.
ClinVar note: Converted during submission from untested to not provided.

NM_134444.5(NLRP4):c.2187-56G>C

Gene: NLRP4 (NLR family pyrin domain containing 4; plus strand). Cytogenetic location: 19q13.43.
Variant type: single nucleotide variant.
Coding change: c.2187-56G>C on transcript NM_134444.5 (MANE Select); 56 bases into the intron before coding-DNA position 2187, G replaced by C.
Molecular consequence: intron variant.
Genome position (GRCh38, 1-based): chr19:55,867,653, G>C. VCF-style: chr19-55867653-G-C. GRCh37 (hg19) VCF-style: chr19-56379019-G-C.
Identifiers: ClinVar variation 103223 (VCV000103223.2), dbSNP rs199475752, ClinGen allele CA230279.
Genomic context (GRCh38, chr19:55,867,653, plus strand): 5'-GCAGTGAGCCTCTCAAGGACAGCAAATGTGGGCTTCCCGACTCTGACAGGATTGGCAAGA[G>C]GAATGAGTCCAGGAACTAGAAACCAACAGAATGTGACATTTTCCCTTTCCTGCAGGCTGG-3'